The following is an entry in ClinVar:

NM_032043.3(BRIP1):c.3661C>T (p.Leu1221=)

Gene: BRIP1 (BRCA1 interacting DNA helicase 1; minus strand). Cytogenetic location: 17q23.2.
Variant type: single nucleotide variant.
Coding change: c.3661C>T on transcript NM_032043.3 (MANE Select); coding-DNA position 3661, C replaced by T.
Protein change: p.Leu1221=; no amino-acid change (leucine 1221 retained).
Molecular consequence: synonymous variant.
Genome position (GRCh38, 1-based): chr17:61,683,385, G>A on the plus strand (C>T on the coding strand, the complement: BRIP1 is on the minus strand). VCF-style: chr17-61683385-G-A. GRCh37 (hg19) VCF-style: chr17-59760746-G-A.
Identifiers: ClinVar variation 1562222 (VCV001562222.12), dbSNP rs2061298344, ClinGen allele CA501335117.

ClinVar aggregate classification (germline): Benign/Likely benign. Review status: criteria provided, multiple submitters, no conflicts (2 of 4 stars). 3 submissions from 3 submitters: Benign (1); Likely benign (2). Last evaluated 2024-09-10.

Conditions:
Hereditary cancer-predisposing syndrome. Also called: Neoplastic Syndromes, Hereditary; Hereditary Cancer Syndrome; Hereditary neoplastic syndrome; Tumor predisposition. Identifiers: Orphanet 140162, MedGen C0027672, MeSH D009386, MONDO:0015356.
Familial cancer of breast. Also called: hereditary breast carcinoma; BREAST CANCER, FAMILIAL; Hereditary breast cancer. Identifiers: Orphanet 227535, MedGen C0346153, MONDO:0016419, OMIM 114480. Disease mechanism: loss of function.
Fanconi anemia complementation group J. Also called: BRIP1-Related Fanconi Anemia. Identifiers: Orphanet 84, MedGen C1836860, MONDO:0012187, OMIM 609054.

Submissions (3):

Myriad Genetics, Inc.
Classification: Benign for Familial cancer of breast. Last evaluated: 2024-09-10. Review status: criteria provided, single submitter. Criteria: Myriad Autosomal Dominant, Autosomal Recessive and X-Linked Classification Criteria (2023). Collection method: clinical testing. Allele origin: unknown.
Comment: This variant is considered benign. This variant is a silent/synonymous amino acid change and it is not expected to impact splicing.

Ambry Genetics
Classification: Likely benign for Hereditary cancer-predisposing syndrome. Last evaluated: 2022-02-18. Review status: criteria provided, single submitter. Criteria: Ambry Variant Classification Scheme 2023. Collection method: clinical testing. Allele origin: germline.

Labcorp Genetics (formerly Invitae), Labcorp
Classification: Likely benign for Familial cancer of breast; Fanconi anemia complementation group J. Last evaluated: 2021-10-05. Review status: criteria provided, single submitter. Criteria: Invitae Variant Classification Sherloc (09022015). Collection method: clinical testing. Allele origin: germline.